The following is an entry in ClinVar:

NM_006019.4(TCIRG1):c.886G>A (p.Val296Ile)

Gene: TCIRG1 (T cell immune regulator 1, ATPase H+ transporting V0 subunit a3; plus strand). Cytogenetic location: 11q13.2.
Variant type: single nucleotide variant.
Coding change: c.886G>A on transcript NM_006019.4 (MANE Select); coding-DNA position 886, G replaced by A.
Protein change: p.Val296Ile; replaces valine 296 with isoleucine.
Molecular consequence: missense variant. On other transcripts: 5 prime UTR variant (1).
Genome position (GRCh38, 1-based): chr11:68,044,210, G>A. VCF-style: chr11-68044210-G-A. GRCh37 (hg19) VCF-style: chr11-67811677-G-A.
Other names: c.-9G>A (NM_001351059.2); c.238G>A, p.Val80Ile (NM_006053.4); short protein forms V296I, V80I.
Identifiers: ClinVar variation 3679438 (VCV003679438.2).

ClinVar aggregate classification (germline): Uncertain significance (1 of 4 stars; one submission).

Submission:

Labcorp Genetics (formerly Invitae), Labcorp
Classification: Uncertain significance. Last evaluated: 2024-06-21. Review status: criteria provided, single submitter. Criteria: Invitae Variant Classification Sherloc (09022015). Collection method: clinical testing. Allele origin: germline.
Comment: This sequence change replaces valine, which is neutral and non-polar, with isoleucine, which is neutral and non-polar, at codon 296 of the TCIRG1 protein (p.Val296Ile). This variant is not present in population databases (gnomAD no frequency). This variant has not been reported in the literature in individuals affected with TCIRG1-related conditions. Advanced modeling of protein sequence and biophysical properties (such as structural, functional, and spatial information, amino acid conservation, physicochemical variation, residue mobility, and thermodynamic stability) performed at Invitae indicates that this missense variant is not expected to disrupt TCIRG1 protein function with a negative predictive value of 80%. In summary, the available evidence is currently insufficient to determine the role of this variant in disease. Therefore, it has been classified as a Variant of Uncertain Significance.